The following is an entry in ClinVar:

ClinVar aggregate classification (germline): Uncertain significance (1 of 4 stars; one submission).

gnomAD v4.1: 1 of 1,613,860 alleles (0.000062%); highest among the groups gnomAD compares: Non-Finnish European, 0.000085%; no homozygotes.

Submission:

Labcorp Genetics (formerly Invitae), Labcorp
Classification: Uncertain significance. Last evaluated: 2025-03-27. Review status: criteria provided, single submitter. Criteria: Invitae Variant Classification Sherloc (09022015). Collection method: clinical testing. Allele origin: germline.
Comment: This sequence change replaces arginine, which is basic and polar, with glycine, which is neutral and non-polar, at codon 552 of the ATP6V1A protein (p.Arg552Gly). This variant is not present in population databases (gnomAD no frequency). This variant has not been reported in the literature in individuals affected with ATP6V1A-related conditions. Invitae Evidence Modeling of protein sequence and biophysical properties (such as structural, functional, and spatial information, amino acid conservation, physicochemical variation, residue mobility, and thermodynamic stability) indicates that this missense variant is not expected to disrupt ATP6V1A protein function with a negative predictive value of 80%. In summary, the available evidence is currently insufficient to determine the role of this variant in disease. Therefore, it has been classified as a Variant of Uncertain Significance.

NM_001690.4(ATP6V1A):c.1654C>G (p.Arg552Gly)

Gene: ATP6V1A (ATPase H+ transporting V1 subunit A; plus strand). Cytogenetic location: 3q13.31.
Variant type: single nucleotide variant.
Coding change: c.1654C>G on transcript NM_001690.4 (MANE Select); coding-DNA position 1654, C replaced by G.
Protein change: p.Arg552Gly; replaces arginine 552 with glycine.
Molecular consequence: missense variant.
Genome position (GRCh38, 1-based): chr3:113,805,418, C>G. VCF-style: chr3-113805418-C-G. GRCh37 (hg19) VCF-style: chr3-113524265-C-G.
Other names: short protein forms R552G.
Identifiers: ClinVar variation 4776215 (VCV004776215.1).
Genomic context (GRCh38, chr3:113,805,418, plus strand): 5'-TGCCCATTCTACAAGACAGTAGGGATGCTGTCCAACATGATTGCATTTTATGATATGGCT[C>G]GTAGAGCTGTTGAAACCACTGCCCAGAGTGACAATAAAATCACATGGTCCATTATTCGTG-3'
Protein context (NP_001681.2, residues 542-562): SNMIAFYDMA[Arg552Gly]RAVETTAQSD